The following is an entry in ClinVar:

NM_006231.4(POLE):c.1220G>T (p.Cys407Phe)

Gene: POLE (DNA polymerase epsilon, catalytic subunit; minus strand). Cytogenetic location: 12q24.33.
Variant type: single nucleotide variant.
Coding change: c.1220G>T on transcript NM_006231.4 (MANE Select); coding-DNA position 1220, G replaced by T.
Protein change: p.Cys407Phe; replaces cysteine 407 with phenylalanine.
Molecular consequence: missense variant.
Genome position (GRCh38, 1-based): chr12:132,675,404, C>A on the plus strand (G>T on the coding strand, the complement: POLE is on the minus strand). VCF-style: chr12-132675404-C-A. GRCh37 (hg19) VCF-style: chr12-133251990-C-A.
Other names: short protein forms C407F.
Identifiers: ClinVar variation 1752995 (VCV001752995.6), dbSNP rs2043023198, ClinGen allele CA387360668.

ClinVar aggregate classification (germline): Uncertain significance. Review status: criteria provided, multiple submitters, no conflicts (2 of 4 stars). 2 submissions from 2 submitters: Uncertain significance (2). Last evaluated 2026-01-08.

Conditions:
Hereditary cancer-predisposing syndrome. Also called: Tumor predisposition; Hereditary Cancer Syndrome; Hereditary neoplastic syndrome; Neoplastic Syndromes, Hereditary. Identifiers: Orphanet 140162, MedGen C0027672, MeSH D009386, MONDO:0015356.

Submissions (2):

Ambry Genetics
Classification: Uncertain significance for Hereditary cancer-predisposing syndrome. Last evaluated: 2026-01-08. Review status: criteria provided, single submitter. Criteria: Ambry Variant Classification Scheme 2023. Collection method: clinical testing. Allele origin: germline.
Comment: The p.C407F variant (also known as c.1220G>T), located in coding exon 12 of the POLE gene, results from a G to T substitution at nucleotide position 1220. The cysteine at codon 407 is replaced by phenylalanine, an amino acid with highly dissimilar properties. This amino acid position is highly conserved in available vertebrate species. In addition, the in silico prediction for this alteration is inconclusive. Based on the available evidence, the clinical significance of this variant remains unclear.

Labcorp Genetics (formerly Invitae), Labcorp
Classification: Uncertain significance. Last evaluated: 2024-05-22. Review status: criteria provided, single submitter. Criteria: Invitae Variant Classification Sherloc (09022015). Collection method: clinical testing. Allele origin: germline.
Comment: This sequence change replaces cysteine, which is neutral and slightly polar, with phenylalanine, which is neutral and non-polar, at codon 407 of the POLE protein (p.Cys407Phe). This variant is not present in population databases (gnomAD no frequency). This variant has not been reported in the literature in individuals affected with POLE-related conditions. ClinVar contains an entry for this variant (Variation ID: 1752995). Advanced modeling of protein sequence and biophysical properties (such as structural, functional, and spatial information, amino acid conservation, physicochemical variation, residue mobility, and thermodynamic stability) performed at Invitae indicates that this missense variant is expected to disrupt POLE protein function with a positive predictive value of 80%. In summary, the available evidence is currently insufficient to determine the role of this variant in disease. Therefore, it has been classified as a Variant of Uncertain Significance.